The following is an entry in ClinVar:

ClinVar aggregate classification (germline): Uncertain significance (1 of 4 stars; one submission).

Allele frequency attached by ClinVar (database versions not stated): TOPMed below 0.00001; gnomAD exomes 0.00001.
gnomAD v4.1: 11 of 1,611,622 alleles (0.00068%); highest among the groups gnomAD compares: Non-Finnish European, 0.00093%; no homozygotes.

Submission:

Labcorp Genetics (formerly Invitae), Labcorp
Classification: Uncertain significance. Last evaluated: 2025-10-13. Review status: criteria provided, single submitter. Criteria: Invitae Variant Classification Sherloc (09022015). Collection method: clinical testing. Allele origin: germline.
Comment: This sequence change falls in intron 13 of the ABCA1 gene. It does not directly change the encoded amino acid sequence of the ABCA1 protein. It affects a nucleotide within the consensus splice site. This variant is not present in population databases (gnomAD no frequency). This variant has not been reported in the literature in individuals affected with ABCA1-related conditions. ClinVar contains an entry for this variant (Variation ID: 1398807). Variants that disrupt the consensus splice site are a relatively common cause of aberrant splicing (PMID: 17576681, 9536098). Algorithms developed to predict the effect of sequence changes on RNA splicing suggest that this variant is not likely to affect RNA splicing. In summary, the available evidence is currently insufficient to determine the role of this variant in disease. Therefore, it has been classified as a Variant of Uncertain Significance.

Literature cited by the submitters: PubMed 17576681; PubMed 9536098.

NM_005502.4(ABCA1):c.1715+3A>G

Gene: ABCA1 (ATP binding cassette subfamily A member 1; minus strand). Cytogenetic location: 9q31.1.
Variant type: single nucleotide variant.
Coding change: c.1715+3A>G on transcript NM_005502.4 (MANE Select); 3 bases into the intron after coding-DNA position 1715, A replaced by G.
Molecular consequence: intron variant.
Genome position (GRCh38, 1-based): chr9:104,831,619, T>C on the plus strand (A>G on the coding strand, the complement: ABCA1 is on the minus strand). VCF-style: chr9-104831619-T-C. GRCh37 (hg19) VCF-style: chr9-107593900-T-C.
Identifiers: ClinVar variation 1398807 (VCV001398807.6), dbSNP rs944318256, ClinGen allele CA197396914.